The following is an entry in ClinVar:

NM_001282426.2(PIK3CG):c.1076G>A (p.Arg359His)

Gene: PIK3CG (phosphatidylinositol-4,5-bisphosphate 3-kinase catalytic subunit gamma; plus strand). Cytogenetic location: 7q22.3.
Variant type: single nucleotide variant.
Coding change: c.1076G>A on transcript NM_001282426.2 (MANE Select); coding-DNA position 1076, G replaced by A.
Protein change: p.Arg359His; replaces arginine 359 with histidine.
Molecular consequence: missense variant.
Genome position (GRCh38, 1-based): chr7:106,868,637, G>A. VCF-style: chr7-106868637-G-A. GRCh37 (hg19) VCF-style: chr7-106509082-G-A.
Other names: c.1076G>A, p.Arg359His (NM_001282427.2, NM_002649.3); c.1076G>A (NM_001282427.1); short protein forms R359H.
Identifiers: ClinVar variation 1331053 (VCV001331053.32), dbSNP rs144565710, ClinGen allele CA4429312.

ClinVar aggregate classification (germline): Uncertain significance. Review status: criteria provided, multiple submitters, no conflicts (2 of 4 stars). 4 submissions from 4 submitters: Uncertain significance (4). Last evaluated 2026-02-10.

Conditions:
Cystic fibrosis (CF). Also called: MUCOVISCIDOSIS. Identifiers: Orphanet 586, MedGen C0010674, MONDO:0009061, OMIM 219700. Disease mechanism: loss of function.
PIK3CG-related disorder. Also called: PIK3CG-related condition.

Allele frequency attached by ClinVar (database versions not stated): 1000 Genomes Project 0.00020; ESP Exome Variant Server 0.00046; 1000 Genomes Project 30x 0.00047; TOPMed 0.00056; gnomAD 0.00058 and 0.00059.
gnomAD v4.1: 985 of 1,614,200 alleles (0.061%); highest among the groups gnomAD compares: South Asian, 0.087%; no homozygotes.

Submissions (4):

PreventionGenetics, part of Exact Sciences
Classification: Uncertain significance for PIK3CG-related condition. Last evaluated: 2026-02-10. Review status: criteria provided, single submitter. Criteria: ACMG Guidelines, 2015. Collection method: clinical testing. Allele origin: germline.
Comment: The PIK3CG c.1076G>A variant is predicted to result in the amino acid substitution p.Arg359His. To our knowledge, this variant has not been reported in the literature. This variant is reported in 0.12% of alleles in individuals of European (Non-Finnish) descent in gnomAD, which may be too common to be causative. Although we suspect that this variant may be benign, at this time, the clinical significance of this variant is uncertain due to the absence of conclusive functional and genetic evidence.

Centre of Medical Genetics, University Hospital Muenster
Classification: Uncertain significance for Cystic fibrosis. Last evaluated: 2022-11-25. Review status: criteria provided, single submitter. Criteria: ACMG Guidelines, 2015. Collection method: clinical testing. Allele origin: unknown. Affected: yes. Observed: 1 variant allele, 1 heterozygote.
Comment: ACMG categories: PM1,PM2

CeGaT Center for Human Genetics Tuebingen
Classification: Uncertain significance. Last evaluated: 2022-09-01. Review status: criteria provided, single submitter. Criteria: CeGaT Center For Human Genetics Tuebingen Variant Classification Criteria Version 2. Collection method: clinical testing. Allele origin: germline. Affected: yes. Observed: 1 variant allele.

ARUP Laboratories, Molecular Genetics and Genomics, ARUP Laboratories
Classification: Uncertain significance. Last evaluated: 2021-02-15. Review status: criteria provided, single submitter. Criteria: ARUP Molecular Germline Variant Investigation Process 2021. Collection method: clinical testing. Allele origin: germline.
Comment: The PIK3CG c.1076G>A; p.Arg359His variant (rs144565710), to our knowledge, is not reported in the medical literature or gene specific databases. This variant is found in the general population with an allele frequency of 0.077% (218/282744 alleles) in the Genome Aggregation Database. The arginine at codon 359 is highly conserved, but computational analyses are uncertain whether this variant is neutral or deleterious (REVEL: 0.205). Due to limited information, the clinical significance of this variant is uncertain at this time.